The following is an entry in ClinVar:

NM_000165.5(GJA1):c.184G>A (p.Glu62Lys)

Gene: GJA1 (gap junction protein alpha 1; plus strand). Cytogenetic location: 6q22.31.
Variant type: single nucleotide variant.
Coding change: c.184G>A on transcript NM_000165.5 (MANE Select); coding-DNA position 184, G replaced by A.
Protein change: p.Glu62Lys; replaces glutamic acid 62 with lysine.
Molecular consequence: missense variant.
Genome position (GRCh38, 1-based): chr6:121,447,031, G>A. VCF-style: chr6-121447031-G-A. GRCh37 (hg19) VCF-style: chr6-121768177-G-A.
Other names: short protein forms E62K.
Identifiers: ClinVar variation 2857408 (VCV002857408.3), dbSNP rs2536821298, ClinGen allele CA365558146.

ClinVar aggregate classification (germline): Uncertain significance (1 of 4 stars; one submission).

Conditions:
Oculodentodigital dysplasia, autosomal recessive. Also called: OCULODENTOOSSEOUS DYSPLASIA, AUTOSOMAL RECESSIVE; ODDD, AUTOSOMAL RECESSIVE; ODOD, AUTOSOMAL RECESSIVE. Identifiers: Orphanet 2710, MedGen C2749477, MONDO:0009768, OMIM 257850.

Submission:

Labcorp Genetics (formerly Invitae), Labcorp
Classification: Uncertain significance for Oculodentodigital dysplasia, autosomal recessive. Last evaluated: 2023-04-18. Review status: criteria provided, single submitter. Criteria: Invitae Variant Classification Sherloc (09022015). Collection method: clinical testing. Allele origin: germline.
Comment: In summary, the available evidence is currently insufficient to determine the role of this variant in disease. Therefore, it has been classified as a Variant of Uncertain Significance. Advanced modeling of protein sequence and biophysical properties (such as structural, functional, and spatial information, amino acid conservation, physicochemical variation, residue mobility, and thermodynamic stability) performed at Invitae indicates that this missense variant is not expected to disrupt GJA1 protein function. This variant has not been reported in the literature in individuals affected with GJA1-related conditions. This variant is not present in population databases (gnomAD no frequency). This sequence change replaces glutamic acid, which is acidic and polar, with lysine, which is basic and polar, at codon 62 of the GJA1 protein (p.Glu62Lys).